The following is an entry in ClinVar:

ClinVar aggregate classification (germline): Uncertain significance (1 of 4 stars; one submission).

gnomAD v4.1: 1 of 1,559,204 alleles (0.000064%); highest among the groups gnomAD compares: Non-Finnish European, 0.000087%; no homozygotes.

Submission:

GeneDx
Classification: Uncertain significance. Last evaluated: 2025-04-01. Review status: criteria provided, single submitter. Criteria: GeneDx Variant Classification Process June 2021. Collection method: clinical testing. Allele origin: germline. Affected: yes.
Comment: Not observed at significant frequency in large population cohorts (gnomAD); In silico analysis supports that this missense variant has a deleterious effect on protein structure/function; Has not been previously published as pathogenic or benign to our knowledge

NM_000435.3(NOTCH3):c.4514C>T (p.Pro1505Leu)

Gene: NOTCH3 (notch receptor 3; minus strand). Cytogenetic location: 19p13.12.
Variant type: single nucleotide variant.
Coding change: c.4514C>T on transcript NM_000435.3 (MANE Select); coding-DNA position 4514, C replaced by T.
Protein change: p.Pro1505Leu; replaces proline 1505 with leucine.
Molecular consequence: missense variant.
Genome position (GRCh38, 1-based): chr19:15,174,290, G>A on the plus strand (C>T on the coding strand, the complement: NOTCH3 is on the minus strand). VCF-style: chr19-15174290-G-A. GRCh37 (hg19) VCF-style: chr19-15285101-G-A.
Other names: short protein forms P1505L.
Identifiers: ClinVar variation 4278867 (VCV004278867.1).